The following is an entry in ClinVar:

ClinVar aggregate classification (germline): Uncertain significance (1 of 4 stars; one submission).

Conditions:
Neuropathy, hereditary sensory and autonomic, type 2A (HSAN2A). Also called: ACROOSTEOLYSIS, GIACCAI TYPE; ACROOSTEOLYSIS, NEUROGENIC; MORVAN DISEASE; NEUROPATHY, CONGENITAL SENSORY; NEUROPATHY, HEREDITARY SENSORY RADICULAR, AUTOSOMAL RECESSIVE; NEUROPATHY, HEREDITARY SENSORY, TYPE IIA. Identifiers: Orphanet 970, MedGen C2752089, MONDO:0024309, OMIM 201300.
Pseudohypoaldosteronism type 2C (PHA2C). Also called: Pseudohypoaldosteronism Type IIC. Identifiers: Orphanet 757, Orphanet 88940, MedGen C1840391, MONDO:0013778, OMIM 614492.

Allele frequency attached by ClinVar (database versions not stated): gnomAD exomes 0.00001 and 0.00002; gnomAD 0.00002; TOPMed 0.00002.
gnomAD v4.1: 19 of 1,535,998 alleles (0.0012%); highest among the groups gnomAD compares: African/African-American, 0.0082%; no homozygotes.

Submission:

Labcorp Genetics (formerly Invitae), Labcorp
Classification: Uncertain significance for Neuropathy, hereditary sensory and autonomic, type 2A; Pseudohypoaldosteronism type 2C. Last evaluated: 2024-03-28. Review status: criteria provided, single submitter. Criteria: Invitae Variant Classification Sherloc (09022015). Collection method: clinical testing. Allele origin: germline.
Comment: This sequence change replaces proline, which is neutral and non-polar, with leucine, which is neutral and non-polar, at codon 760 of the WNK1 protein (p.Pro760Leu). This variant is present in population databases (no rsID available, gnomAD 0.007%). This variant has not been reported in the literature in individuals affected with WNK1-related conditions. ClinVar contains an entry for this variant (Variation ID: 1444872). Advanced modeling of protein sequence and biophysical properties (such as structural, functional, and spatial information, amino acid conservation, physicochemical variation, residue mobility, and thermodynamic stability) performed at Invitae indicates that this missense variant is not expected to disrupt WNK1 protein function with a negative predictive value of 95%. In summary, the available evidence is currently insufficient to determine the role of this variant in disease. Therefore, it has been classified as a Variant of Uncertain Significance.

NM_213655.5(WNK1):c.2279C>T (p.Pro760Leu)

Gene: WNK1 (WNK lysine deficient protein kinase 1; plus strand). Cytogenetic location: 12p13.33.
Variant type: single nucleotide variant.
Coding change: c.2279C>T on transcript NM_213655.5 (MANE Plus Clinical); coding-DNA position 2279, C replaced by T.
Protein change: p.Pro760Leu; replaces proline 760 with leucine.
Molecular consequence: missense variant. On other transcripts: intron variant (3).
Genome position (GRCh38, 1-based): chr12:865,249, C>T. VCF-style: chr12-865249-C-T. GRCh37 (hg19) VCF-style: chr12-974415-C-T.
Other names: c.2140-2617C>T (NM_001184985.2); c.2139+2979C>T (NM_018979.4, NM_014823.3); short protein forms P760L.
Identifiers: ClinVar variation 1444872 (VCV001444872.6), dbSNP rs923344256, ClinGen allele CA231495694.